The following is an entry in ClinVar:

ClinVar aggregate classification (germline): Uncertain significance. Review status: criteria provided, multiple submitters, no conflicts (2 of 4 stars). 2 submissions from 2 submitters: Uncertain significance (2). Last evaluated 2023-12-29.

Conditions:
Hereditary breast ovarian cancer syndrome. Also called: Hereditary breast and ovarian cancer syndrome; Breast and ovarian cancer; Hereditary breast and ovarian cancer; Hereditary breast and/or ovarian cancer syndrome; Hereditary breast and ovarian cancer syndrome (HBOC); BRCA1- and BRCA2-Associated Hereditary Breast and Ovarian Cancer. Identifiers: Orphanet 145, MedGen C0677776, MeSH D061325, MONDO:0003582. Disease mechanism: loss of function.

Submissions (2):

Women's Health and Genetics/Laboratory Corporation of America, LabCorp
Classification: Uncertain significance. Last evaluated: 2023-12-29. Review status: criteria provided, single submitter. Criteria: LabCorp Variant Classification Summary - May 2015. Collection method: clinical testing. Allele origin: germline.
Comment: Variant summary: BRCA2 c.8612A>C (p.Glu2871Ala) results in a non-conservative amino acid change located in the Tower domain (IPR015205) of the encoded protein sequence. Four of five in-silico tools predict a benign effect of the variant on protein function. The variant was absent in 250950 control chromosomes. The available data on variant occurrences in the general population are insufficient to allow any conclusion about variant significance. To our knowledge, no occurrence of c.8612A>C in individuals affected with Hereditary Breast And Ovarian Cancer Syndrome and no experimental evidence demonstrating its impact on protein function have been reported. One submitter has cited clinical-significance assessments for this variant to ClinVar after 2014 and has classified the variant as uncertain significance. Based on the evidence outlined above, the variant was classified as uncertain significance.

Labcorp Genetics (formerly Invitae), Labcorp
Classification: Uncertain significance for Hereditary breast ovarian cancer syndrome. Last evaluated: 2018-02-17. Review status: criteria provided, single submitter. Criteria: Invitae Variant Classification Sherloc (09022015). Collection method: clinical testing. Allele origin: germline.
Comment: This variant has not been reported in the literature in individuals with BRCA2-related disease. This variant is not present in population databases (ExAC no frequency). This sequence change replaces glutamic acid with alanine at codon 2871 of the BRCA2 protein (p.Glu2871Ala). The glutamic acid residue is weakly conserved and there is a moderate physicochemical difference between glutamic acid and alanine. Algorithms developed to predict the effect of missense changes on protein structure and function output the following: SIFT: "Tolerated"; PolyPhen-2: "Benign"; Align-GVGD: "Class C0". The alanine amino acid residue is found in multiple mammalian species, suggesting that this missense change does not adversely affect protein function. These predictions have not been confirmed by published functional studies and their clinical significance is uncertain. In summary, the available evidence is currently insufficient to determine the role of this variant in disease. Therefore, it has been classified as a Variant of Uncertain Significance.

NM_000059.4(BRCA2):c.8612A>C (p.Glu2871Ala)

Gene: BRCA2 (BRCA2 DNA repair associated; plus strand). Cytogenetic location: 13q13.1.
Variant type: single nucleotide variant.
Coding change: c.8612A>C on transcript NM_000059.4 (MANE Select); coding-DNA position 8612, A replaced by C.
Protein change: p.Glu2871Ala; replaces glutamic acid 2871 with alanine.
Molecular consequence: missense variant.
Genome position (GRCh38, 1-based): chr13:32,371,080, A>C. VCF-style: chr13-32371080-A-C. GRCh37 (hg19) VCF-style: chr13-32945217-A-C.
Other names: short protein forms E2871A.
Identifiers: ClinVar variation 569184 (VCV000569184.10), dbSNP rs1566249398, ClinGen allele CA387752928.
Genomic context (GRCh38, chr13:32,371,080, plus strand): 5'-CAGCAAAATATGTGGAGGCCCAACAAAAGAGACTAGAAGCCTTATTCACTAAAATTCAGG[A>C]GGAATTTGAAGAACATGAAGGTAAAATTAGTTATATGGTACACATTGTTATTTCTAATAT-3'
Protein context (NP_000050.3, residues 2861-2881): RLEALFTKIQ[Glu2871Ala]EFEEHEENTT